The following is an entry in ClinVar:

ClinVar aggregate classification (germline): Uncertain significance (1 of 4 stars; one submission).

Submission:

Labcorp Genetics (formerly Invitae), Labcorp
Classification: Uncertain significance. Last evaluated: 2023-12-10. Review status: criteria provided, single submitter. Criteria: Invitae Variant Classification Sherloc (09022015). Collection method: clinical testing. Allele origin: germline.
Comment: This sequence change replaces glutamic acid, which is acidic and polar, with aspartic acid, which is acidic and polar, at codon 1714 of the FLNB protein (p.Glu1714Asp). This variant is not present in population databases (gnomAD no frequency). This variant has not been reported in the literature in individuals affected with FLNB-related conditions. Advanced modeling of protein sequence and biophysical properties (such as structural, functional, and spatial information, amino acid conservation, physicochemical variation, residue mobility, and thermodynamic stability) performed at Invitae indicates that this missense variant is not expected to disrupt FLNB protein function with a negative predictive value of 95%. In summary, the available evidence is currently insufficient to determine the role of this variant in disease. Therefore, it has been classified as a Variant of Uncertain Significance.

NM_001457.4(FLNB):c.5142G>C (p.Glu1714Asp)

Gene: FLNB (filamin B; plus strand). Cytogenetic location: 3p14.3.
Variant type: single nucleotide variant.
Coding change: c.5142G>C on transcript NM_001457.4 (MANE Select); coding-DNA position 5142, G replaced by C.
Protein change: p.Glu1714Asp; replaces glutamic acid 1714 with aspartic acid.
Molecular consequence: missense variant. On other transcripts: intron variant (1).
Genome position (GRCh38, 1-based): chr3:58,141,890, G>C. VCF-style: chr3-58141890-G-C. GRCh37 (hg19) VCF-style: chr3-58127617-G-C.
Other names: c.5235G>C, p.Glu1745Asp (NM_001164317.2); c.5142G>C, p.Glu1714Asp (NM_001164318.2); c.5110-760G>C (NM_001164319.2); short protein forms E1714D, E1745D.
Identifiers: ClinVar variation 2987241 (VCV002987241.3), dbSNP rs2471184117, ClinGen allele CA353353352.
Genomic context (GRCh38, chr3:58,141,890, plus strand): 5'-CAACTAATCTCCATTTGCCACTGACCAGGCCACAGATGGGGAAGTCACAGCCGTGGAGGA[G>C]GCACCGGTAAATGCATGTCCCCCTGGATTCAGGCCCTGGGTACAATTTTGGTTTTTTCCT-3'
Protein context (NP_001448.2, residues 1704-1724): ATDGEVTAVE[Glu1714Asp]APVNACPPGF